The following is an entry in ClinVar:

NM_014365.3(HSPB8):c.*616C>T

Gene: HSPB8 (heat shock protein family B (small) member 8; plus strand). Cytogenetic location: 12q24.23.
Variant type: single nucleotide variant.
Coding change: c.*616C>T on transcript NM_014365.3 (MANE Select); 616 bases downstream of the stop codon, C replaced by T.
Molecular consequence: 3 prime UTR variant.
Genome position (GRCh38, 1-based): chr12:119,194,474, C>T. VCF-style: chr12-119194474-C-T. GRCh37 (hg19) VCF-style: chr12-119632279-C-T.
Identifiers: ClinVar variation 307425 (VCV000307425.5), dbSNP rs6413487, ClinGen allele CA10632126.

ClinVar aggregate classification (germline): Benign. Review status: criteria provided, single submitter (1 of 4 stars). 2 submissions from 1 submitter: Benign (2). Last evaluated 2018-01-12.

Conditions:
Charcot-Marie-Tooth disease axonal type 2L. Also called: Charcot-Marie-Tooth Neuropathy Type 2L; CHARCOT-MARIE-TOOTH DISEASE, AXONAL, AUTOSOMAL DOMINANT, TYPE 2L; CHARCOT-MARIE-TOOTH NEUROPATHY, AXONAL, TYPE 2L. Identifiers: Orphanet 99945, MedGen C1837552, MONDO:0012096, OMIM 608673.
Neuronopathy, distal hereditary motor, type 2A. Also called: CHARCOT-MARIE-TOOTH DISEASE, SPINAL, IIA; NEURONOPATHY, DISTAL HEREDITARY MOTOR, AUTOSOMAL DOMINANT 2; NEURONOPATHY, DISTAL HEREDITARY MOTOR, HARDING TYPE IIA; NEUROPATHY, DISTAL HEREDITARY MOTOR, HARDING TYPE IIA; SPINAL MUSCULAR ATROPHY, DISTAL, ADULT, AUTOSOMAL DOMINANT, HARDING TYPE IIA; HMN IIA. Identifiers: Orphanet 139525, MedGen C1834692, MONDO:0008025, OMIM 158590.

Allele frequency attached by ClinVar (database versions not stated): TOPMed 0.00057; 1000 Genomes Project 0.00060; 1000 Genomes Project 30x 0.00062.

Submissions (2):

Illumina Laboratory Services, Illumina
Classification: Benign for Neuronopathy, distal hereditary motor, type 2A. Last evaluated: 2018-01-12. Review status: criteria provided, single submitter. Criteria: ICSL Variant Classification Criteria 13 December 2019. Collection method: clinical testing. Allele origin: germline.
Comment: This variant was observed in the ICSL laboratory as part of a predisposition screen in an ostensibly healthy population. It had not been previously curated by ICSL or reported in the Human Gene Mutation Database (HGMD: prior to June 1st, 2018), and was therefore a candidate for classification through an automated scoring system. Utilizing variant allele frequency, disease prevalence and penetrance estimates, and inheritance mode, an automated score was calculated to assess if this variant is too frequent to cause the disease. Based on the score and internal cut-off values, a variant classified as benign is not then subjected to further curation. The score for this variant resulted in a classification of benign for this disease.

Illumina Laboratory Services, Illumina
Classification: Benign for Charcot-Marie-Tooth disease axonal type 2L. Last evaluated: 2018-01-12. Review status: criteria provided, single submitter. Criteria: ICSL Variant Classification Criteria 13 December 2019. Collection method: clinical testing. Allele origin: germline.
Comment: the same text as in the submission from Illumina Laboratory Services, Illumina above.